The following is an entry in ClinVar:

ClinVar aggregate classification (germline): Uncertain significance. Review status: criteria provided, multiple submitters, no conflicts (2 of 4 stars). 3 submissions from 3 submitters: Uncertain significance (2). 1 of the submissions does not count toward it. Last evaluated 2026-03-26.

Conditions:
Glutaric acidemia type 2C.
Multiple acyl-CoA dehydrogenase deficiency (MADD). Also called: Glutaric Acidemia type 2; ETHYLMALONIC-ADIPICACIDURIA; GA II; Glutaric aciduria, type 2; Glutaric acidemia type II; GA 2. Identifiers: Orphanet 26791, MedGen C0268596, MONDO:0009282, OMIM 231680.

Allele frequency attached by ClinVar (database versions not stated): TOPMed 0.00001; ExAC 0.00001; gnomAD exomes below 0.00001; gnomAD 0.00001.
gnomAD v4.1: 3 of 1,612,962 alleles (0.00019%); highest among the groups gnomAD compares: Admixed American, 0.0017%; no homozygotes.

Submissions (3):

GeneDx
Classification: Uncertain significance. Last evaluated: 2026-03-26. Review status: criteria provided, single submitter. Criteria: GeneDx Variant Classification Process June 2021. Collection method: clinical testing. Allele origin: germline.
Comment: Not observed at significant frequency in large population cohorts (gnomAD); In silico analysis supports that this missense variant has a deleterious effect on protein structure/function; Has not been previously published as pathogenic or benign to our knowledge

Labcorp Genetics (formerly Invitae), Labcorp
Classification: Uncertain significance for Multiple acyl-CoA dehydrogenase deficiency. Last evaluated: 2021-09-01. Review status: criteria provided, single submitter. Criteria: Invitae Variant Classification Sherloc (09022015). Collection method: clinical testing. Allele origin: germline.
Comment: This sequence change replaces histidine with tyrosine at codon 346 of the ETFDH protein (p.His346Tyr). The histidine residue is highly conserved and there is a moderate physicochemical difference between histidine and tyrosine. This variant is present in population databases (rs749456492, ExAC 0.001%). This variant has not been reported in the literature in individuals affected with ETFDH-related conditions. Algorithms developed to predict the effect of missense changes on protein structure and function (SIFT, PolyPhen-2, Align-GVGD) all suggest that this variant is likely to be disruptive. In summary, the available evidence is currently insufficient to determine the role of this variant in disease. Therefore, it has been classified as a Variant of Uncertain Significance.

Natera, Inc.
Classification: Uncertain significance for Glutaric acidemia type 2C. Last evaluated: 2025-04-10. Review status: no assertion criteria provided. Collection method: clinical testing. Allele origin: germline. Not counted in ClinVar's aggregate classification.

NM_004453.4(ETFDH):c.1036C>T (p.His346Tyr)

Gene: ETFDH (electron transfer flavoprotein dehydrogenase; plus strand). Cytogenetic location: 4q32.1.
Variant type: single nucleotide variant.
Coding change: c.1036C>T on transcript NM_004453.4 (MANE Select); coding-DNA position 1036, C replaced by T.
Protein change: p.His346Tyr; replaces histidine 346 with tyrosine.
Molecular consequence: missense variant.
Genome position (GRCh38, 1-based): chr4:158,699,050, C>T. VCF-style: chr4-158699050-C-T. GRCh37 (hg19) VCF-style: chr4-159620202-C-T.
Other names: c.895C>T, p.His299Tyr (NM_001281737.2); c.853C>T, p.His285Tyr (NM_001281738.1); c.1036C>T (NM_004453.3, NM_004453.2); short protein forms H299Y, H346Y, H285Y.
Identifiers: ClinVar variation 1396848 (VCV001396848.7), dbSNP rs749456492, ClinGen allele CA3122538.